The following is an entry in ClinVar:

ClinVar aggregate classification (germline): Uncertain significance (1 of 4 stars; one submission).

Allele frequency attached by ClinVar (database versions not stated): gnomAD exomes 0.00003; ESP Exome Variant Server 0.00015; gnomAD 0.00001; ExAC 0.00003.
gnomAD v4.1: 41 of 1,610,124 alleles (0.0025%); highest among the groups gnomAD compares: Middle Eastern, 0.016%; no homozygotes.

Submission:

Labcorp Genetics (formerly Invitae), Labcorp
Classification: Uncertain significance. Last evaluated: 2024-06-03. Review status: criteria provided, single submitter. Criteria: Invitae Variant Classification Sherloc (09022015). Collection method: clinical testing. Allele origin: germline.
Comment: This sequence change replaces arginine, which is basic and polar, with histidine, which is basic and polar, at codon 685 of the PLOD2 protein (p.Arg685His). This variant is present in population databases (rs144675042, gnomAD 0.005%). This variant has not been reported in the literature in individuals affected with PLOD2-related conditions. ClinVar contains an entry for this variant (Variation ID: 1399121). Advanced modeling of protein sequence and biophysical properties (such as structural, functional, and spatial information, amino acid conservation, physicochemical variation, residue mobility, and thermodynamic stability) performed at Invitae indicates that this missense variant is not expected to disrupt PLOD2 protein function with a negative predictive value of 80%. In summary, the available evidence is currently insufficient to determine the role of this variant in disease. Therefore, it has been classified as a Variant of Uncertain Significance.

NM_182943.3(PLOD2):c.2054G>A (p.Arg685His)

Gene: PLOD2 (procollagen-lysine,2-oxoglutarate 5-dioxygenase 2; minus strand). Cytogenetic location: 3q24.
Variant type: single nucleotide variant.
Coding change: c.2054G>A on transcript NM_182943.3 (MANE Select); coding-DNA position 2054, G replaced by A.
Protein change: p.Arg685His; replaces arginine 685 with histidine.
Molecular consequence: missense variant.
Genome position (GRCh38, 1-based): chr3:146,071,109, C>T on the plus strand (G>A on the coding strand, the complement: PLOD2 is on the minus strand). VCF-style: chr3-146071109-C-T. GRCh37 (hg19) VCF-style: chr3-145788896-C-T.
Other names: c.1991G>A, p.Arg664His (NM_000935.3); short protein forms R664H, R685H.
Identifiers: ClinVar variation 1399121 (VCV001399121.6), dbSNP rs144675042, ClinGen allele CA2654691.